The following is an entry in ClinVar:

NM_020549.5(CHAT):c.540G>C (p.Gln180His)

Gene: CHAT (choline O-acetyltransferase; plus strand). Cytogenetic location: 10q11.23.
Variant type: single nucleotide variant.
Coding change: c.540G>C on transcript NM_020549.5 (MANE Select); coding-DNA position 540, G replaced by C.
Protein change: p.Gln180His; replaces glutamine 180 with histidine.
Molecular consequence: missense variant.
Genome position (GRCh38, 1-based): chr10:49,619,877, G>C. VCF-style: chr10-49619877-G-C. GRCh37 (hg19) VCF-style: chr10-50827923-G-C.
Other names: c.186G>C, p.Gln62His (NM_001142929.2, NM_001142934.2, NM_020984.4 and 2 more transcripts); c.294G>C, p.Gln98His (NM_001142933.2); c.540G>C (NM_020549.4); short protein forms Q180H, Q62H, Q98H.
Identifiers: ClinVar variation 1401126 (VCV001401126.6), dbSNP rs200143133, ClinGen allele CA5497169.
Genomic context (GRCh38, chr10:49,619,877, plus strand): 5'-GAAGAGCCAGGCCATTGTGCAGCAGTTTGGGGCCCCTGGTGGCCTCGGCGAGACCCTGCA[G>C]CAGAAACTCCTGGAGCGGCAGGAGAAGACAGCCAACTGGGTAAGAGGGGCAGACAAGGAA-3'
Protein context (NP_065574.4, residues 170-190): GAPGGLGETL[Gln180His]QKLLERQEKT

ClinVar aggregate classification (germline): Uncertain significance. Review status: criteria provided, multiple submitters, no conflicts (2 of 4 stars). 2 submissions from 2 submitters: Uncertain significance (2). Last evaluated 2023-05-03.

Conditions:
Familial infantile myasthenia (CMS6). Also called: Congenital myasthenic syndrome type 6; MYASTHENIC SYNDROME, PRESYNAPTIC, CONGENITAL, ASSOCIATED WITH EPISODIC APNEA; MYASTHENIC SYNDROME, CONGENITAL, 6, PRESYNAPTIC. Identifiers: Orphanet 590, MedGen C0393929, MONDO:0009689, OMIM 254210.
Inborn genetic diseases. Identifiers: MedGen C0950123, MeSH D030342.

Allele frequency attached by ClinVar (database versions not stated): gnomAD 0.00001; gnomAD exomes 0.00001; ExAC 0.00002; 1000 Genomes Project 30x 0.00016; 1000 Genomes Project 0.00020.
gnomAD v4.1: 5 of 1,613,316 alleles (0.00031%); highest among the groups gnomAD compares: East Asian, 0.011%; no homozygotes.

Submissions (2):

Ambry Genetics
Classification: Uncertain significance for Inborn genetic diseases. Last evaluated: 2023-05-03. Review status: criteria provided, single submitter. Criteria: Ambry Variant Classification Scheme 2023. Collection method: clinical testing. Allele origin: germline.

Labcorp Genetics (formerly Invitae), Labcorp
Classification: Uncertain significance for Familial infantile myasthenia. Last evaluated: 2022-07-05. Review status: criteria provided, single submitter. Criteria: Invitae Variant Classification Sherloc (09022015). Collection method: clinical testing. Allele origin: germline.
Comment: This sequence change replaces glutamine, which is neutral and polar, with histidine, which is basic and polar, at codon 180 of the CHAT protein (p.Gln180His). This variant is present in population databases (rs200143133, gnomAD 0.02%). This variant has not been reported in the literature in individuals affected with CHAT-related conditions. ClinVar contains an entry for this variant (Variation ID: 1401126). Advanced modeling of protein sequence and biophysical properties (such as structural, functional, and spatial information, amino acid conservation, physicochemical variation, residue mobility, and thermodynamic stability) performed at Invitae indicates that this missense variant is not expected to disrupt CHAT protein function. In summary, the available evidence is currently insufficient to determine the role of this variant in disease. Therefore, it has been classified as a Variant of Uncertain Significance.